The following is an entry in ClinVar:

ClinVar aggregate classification (germline): Uncertain significance (1 of 4 stars; one submission).

Submission:

GeneDx
Classification: Uncertain significance. Last evaluated: 2021-03-01. Review status: criteria provided, single submitter. Criteria: GeneDx Variant Classification Process June 2021. Collection method: clinical testing. Allele origin: germline. Affected: yes.
Comment: Has not been previously published as pathogenic or benign to our knowledge; In silico analysis supports that this missense variant does not alter protein structure/function; Not observed in large population cohorts (Lek et al., 2016)

NM_003482.4(KMT2D):c.11470C>T (p.His3824Tyr)

Gene: KMT2D (lysine methyltransferase 2D; minus strand). Cytogenetic location: 12q13.12.
Variant type: single nucleotide variant.
Coding change: c.11470C>T on transcript NM_003482.4 (MANE Select); coding-DNA position 11470, C replaced by T.
Protein change: p.His3824Tyr; replaces histidine 3824 with tyrosine.
Molecular consequence: missense variant.
Genome position (GRCh38, 1-based): chr12:49,033,235, G>A on the plus strand (C>T on the coding strand, the complement: KMT2D is on the minus strand). VCF-style: chr12-49033235-G-A. GRCh37 (hg19) VCF-style: chr12-49427018-G-A.
Other names: short protein forms H3824Y.
Identifiers: ClinVar variation 1314122 (VCV001314122.2), dbSNP rs2120441029, ClinGen allele CA384718429.